The following is an entry in ClinVar:

NM_006514.4(SCN10A):c.3019G>A (p.Asp1007Asn)

Genes: SCN10A (sodium voltage-gated channel alpha subunit 10; minus strand), LOC110121288 (VISTA enhancer hs2268; plus strand). Cytogenetic location: 3p22.2.
Variant type: single nucleotide variant.
Coding change: c.3019G>A on transcript NM_006514.4 (MANE Select); coding-DNA position 3019, G replaced by A.
Protein change: p.Asp1007Asn; replaces aspartic acid 1007 with asparagine.
Molecular consequence: missense variant.
Genome position (GRCh38, 1-based): chr3:38,726,674, C>T on the plus strand (G>A on the coding strand, the complement: SCN10A is on the minus strand). VCF-style: chr3-38726674-C-T. GRCh37 (hg19) VCF-style: chr3-38768165-C-T.
Other names: c.3019G>A, p.Asp1007Asn (NM_001293306.2); c.2725G>A, p.Asp909Asn (NM_001293307.2); short protein forms D1007N, D909N.
Identifiers: ClinVar variation 4614887 (VCV004614887.1).
Genomic context (GRCh38, chr3:38,726,674, plus strand): 5'-TGGGGATCACTTCCTGCTGGAAGCTCTGAGCATCTTCCCCACCATCATCCTCCAAGTCAT[C>T]AAGATCAGATTCACCCTCAGCAATGGGCACAGAGACCCACACAGTCGGATTAGCGATGAA-3'
Protein context (NP_006505.4, residues 997-1017): VPIAEGESDL[Asp1007Asn]DLEDDGGEDA

ClinVar aggregate classification (germline): Uncertain significance (1 of 4 stars; one submission).

Conditions:
Cardiovascular phenotype. Identifiers: MedGen CN230736.

gnomAD v4.1: 2 of 1,610,108 alleles (0.00012%); highest among the groups gnomAD compares: African/African-American, 0.0013%; no homozygotes.

Submission:

Ambry Genetics
Classification: Uncertain significance for Cardiovascular phenotype. Last evaluated: 2025-11-04. Review status: criteria provided, single submitter. Criteria: Ambry Variant Classification Scheme 2023. Collection method: clinical testing. Allele origin: germline.
Comment: The p.D1007N variant (also known as c.3019G>A), located in coding exon 16 of the SCN10A gene, results from a G to A substitution at nucleotide position 3019. The aspartic acid at codon 1007 is replaced by asparagine, an amino acid with highly similar properties. This amino acid position is conserved. In addition, this alteration is predicted to be tolerated by in silico analysis. Based on the available evidence, the clinical significance of this variant remains unclear.